The following is an entry in ClinVar:

ClinVar aggregate classification (germline): Conflicting classifications of pathogenicity. Review status: criteria provided, conflicting classifications (1 of 4 stars). 4 submissions from 4 submitters: Uncertain significance (2); Likely benign (1). 1 of the submissions does not count toward it. Last evaluated 2026-01-19.

Conditions:
FANCI-related disorder. Also called: FANCI-related condition.
Fanconi anemia complementation group I (FANCI). Also called: FANCI-Related Fanconi Anemia. Identifiers: Orphanet 84, MedGen C1836861, MONDO:0012186, OMIM 609053.
Fanconi anemia (FA). Also called: Fanconi's anemia. Identifiers: Orphanet 84, MedGen C0015625, MeSH D005199, MONDO:0019391.

Allele frequency attached by ClinVar (database versions not stated): 1000 Genomes Project 30x 0.00016; 1000 Genomes Project 0.00020; ExAC 0.00020; gnomAD exomes 0.00024 and 0.00015; gnomAD 0.00006 and 0.00009; TOPMed 0.00012.
gnomAD v4.1: 222 of 1,613,476 alleles (0.014%); highest among the groups gnomAD compares: East Asian, 0.48%; no homozygotes.

Submissions (5):

Labcorp Genetics (formerly Invitae), Labcorp
Classification: Likely benign for Fanconi anemia. Last evaluated: 2026-01-19. Review status: criteria provided, single submitter. Criteria: Invitae Variant Classification Sherloc (09022015). Collection method: clinical testing. Allele origin: germline.

Blueprint Genetics
Classification: Uncertain significance. Last evaluated: 2024-10-22. Review status: criteria provided, single submitter. Criteria: ACMG Guidelines, 2015. Collection method: clinical testing. Allele origin: germline.

Illumina Laboratory Services, Illumina
Classification: Uncertain significance for Fanconi anemia complementation group I. Last evaluated: 2018-01-13. Review status: criteria provided, single submitter. Criteria: ICSL Variant Classification Criteria 13 December 2019. Collection method: clinical testing. Allele origin: germline.

PreventionGenetics, part of Exact Sciences
Classification: Likely benign for FANCI-related condition. Last evaluated: 2023-07-12. Review status: no assertion criteria provided. Collection method: clinical testing. Allele origin: germline. Not counted in ClinVar's aggregate classification.
Comment: This variant is classified as likely benign based on ACMG/AMP sequence variant interpretation guidelines (Richards et al. 2015 PMID: 25741868, with internal and published modifications).

Dr. Peter K. Rogan Lab, Western University
No classification provided (evidence only). Condition: Gastric cancer. Review status: no classification provided. Collection method: in vitro. Allele origin: not applicable. Functional consequence: retained intron. Not counted in ClinVar's aggregate classification.

NM_001113378.2(FANCI):c.1111A>G (p.Ser371Gly)

Gene: FANCI (FA complementation group I; plus strand). Cytogenetic location: 15q26.1.
Variant type: single nucleotide variant.
Coding change: c.1111A>G on transcript NM_001113378.2 (MANE Select); coding-DNA position 1111, A replaced by G.
Protein change: p.Ser371Gly; replaces serine 371 with glycine.
Molecular consequence: missense variant.
Genome position (GRCh38, 1-based): chr15:89,274,303, A>G. VCF-style: chr15-89274303-A-G. GRCh37 (hg19) VCF-style: chr15-89817534-A-G.
Other names: c.832A>G, p.Ser278Gly (NM_001376910.1); c.1111A>G, p.Ser371Gly (NM_001376911.1, NM_018193.3); short protein forms S371G, S278G.
Identifiers: ClinVar variation 317269 (VCV000317269.18), dbSNP rs149008055, ClinGen allele CA7722914.